The following is an entry in ClinVar:

ClinVar aggregate classification (germline): Uncertain significance (1 of 4 stars; one submission).

Conditions:
Gastrointestinal stromal tumor. Also called: Gastrointestinal stromal tumor, somatic; Gastrointestinal stroma tumor. Identifiers: Orphanet 44890, MedGen C0238198, MeSH D046152, MONDO:0011719, OMIM 606764, HP:0100723.

Submission:

Labcorp Genetics (formerly Invitae), Labcorp
Classification: Uncertain significance for Gastrointestinal stromal tumor. Last evaluated: 2024-11-20. Review status: criteria provided, single submitter. Criteria: Invitae Variant Classification Sherloc (09022015). Collection method: clinical testing. Allele origin: germline.
Comment: This sequence change replaces histidine, which is basic and polar, with tyrosine, which is neutral and polar, at codon 845 of the PDGFRA protein (p.His845Tyr). This variant is not present in population databases (gnomAD no frequency). This variant has not been reported in the literature in individuals affected with PDGFRA-related conditions. ClinVar contains an entry for this variant (Variation ID: 376184). Invitae Evidence Modeling of protein sequence and biophysical properties (such as structural, functional, and spatial information, amino acid conservation, physicochemical variation, residue mobility, and thermodynamic stability) indicates that this missense variant is not expected to disrupt PDGFRA protein function with a negative predictive value of 80%. Experimental studies have shown that this missense change affects PDGFRA function (PMID: 24132921). Algorithms developed to predict the effect of sequence changes on RNA splicing suggest that this variant may create or strengthen a splice site. In summary, the available evidence is currently insufficient to determine the role of this variant in disease. Therefore, it has been classified as a Variant of Uncertain Significance.

Literature cited by the submitters: PubMed 24132921.

NM_006206.6(PDGFRA):c.2533C>T (p.His845Tyr)

Gene: PDGFRA (platelet derived growth factor receptor alpha; plus strand). Cytogenetic location: 4q12.
Variant type: single nucleotide variant.
Coding change: c.2533C>T on transcript NM_006206.6 (MANE Select); coding-DNA position 2533, C replaced by T.
Protein change: p.His845Tyr; replaces histidine 845 with tyrosine.
Molecular consequence: missense variant.
Genome position (GRCh38, 1-based): chr4:54,285,934, C>T. VCF-style: chr4-54285934-C-T. GRCh37 (hg19) VCF-style: chr4-55152101-C-T.
Other names: c.2608C>T, p.His870Tyr (NM_001347828.2); c.2533C>T, p.His845Tyr (NM_001347829.2); c.2572C>T, p.His858Tyr (NM_001347830.2); short protein forms H845Y, H858Y, H870Y.
Identifiers: ClinVar variation 376184 (VCV000376184.4), dbSNP rs1057519814, ClinGen allele CA16602639.